The following is an entry in ClinVar:

NM_001393769.1(MED12L):c.1358G>A (p.Gly453Glu)

Gene: MED12L (mediator complex subunit 12L; plus strand). Cytogenetic location: 3q25.1.
Variant type: single nucleotide variant.
Coding change: c.1358G>A on transcript NM_001393769.1 (MANE Select); coding-DNA position 1358, G replaced by A.
Protein change: p.Gly453Glu; replaces glycine 453 with glutamic acid.
Molecular consequence: missense variant.
Genome position (GRCh38, 1-based): chr3:151,165,846, G>A. VCF-style: chr3-151165846-G-A. GRCh37 (hg19) VCF-style: chr3-150883633-G-A.
Other names: c.1358G>A, p.Gly453Glu (NM_053002.6); short protein forms G453E.
Identifiers: ClinVar variation 1318451 (VCV001318451.3), dbSNP rs1328141646, ClinGen allele CA354959160.

ClinVar aggregate classification (germline): Uncertain significance. Review status: criteria provided, multiple submitters, no conflicts (2 of 4 stars). 2 submissions from 2 submitters: Uncertain significance (2). Last evaluated 2025-08-12.

Conditions:
Inborn genetic diseases. Identifiers: MedGen C0950123, MeSH D030342.

Allele frequency attached by ClinVar (database versions not stated): TOPMed 0.00001.

Submissions (2):

Ambry Genetics
Classification: Uncertain significance for Inborn genetic diseases. Last evaluated: 2025-08-12. Review status: criteria provided, single submitter. Criteria: Ambry Variant Classification Scheme 2023. Collection method: clinical testing. Allele origin: germline.

GeneDx
Classification: Uncertain significance. Last evaluated: 2021-08-13. Review status: criteria provided, single submitter. Criteria: GeneDx Variant Classification Process June 2021. Collection method: clinical testing. Allele origin: germline. Affected: yes.
Comment: Not observed at significant frequency in large population cohorts (Lek et al., 2016); In silico analysis supports that this missense variant has a deleterious effect on protein structure/function; In-silico analysis is inconclusive as to whether the variant alters gene splicing. In the absence of RNA/functional studies, the actual effect of this sequence change is unknown.; Has not been previously published as pathogenic or benign to our knowledge